The following is an entry in ClinVar:

ClinVar aggregate classification (germline): Pathogenic (1 of 4 stars; one submission).

Submission:

Labcorp Genetics (formerly Invitae), Labcorp
Classification: Pathogenic. Last evaluated: 2024-04-25. Review status: criteria provided, single submitter. Criteria: Invitae Variant Classification Sherloc (09022015). Collection method: clinical testing. Allele origin: germline.
Comment: This sequence change creates a premature translational stop signal (p.Gln196Leufs*9) in the MSN gene. It is expected to result in an absent or disrupted protein product. Loss-of-function variants in MSN are known to be pathogenic (PMID: 27405666). This variant is not present in population databases (gnomAD no frequency). This variant has not been reported in the literature in individuals affected with MSN-related conditions. For these reasons, this variant has been classified as Pathogenic.

Literature cited by the submitters: PubMed 27405666.

NM_002444.3(MSN):c.585_586dup (p.Gln196fs)

Gene: MSN (moesin; plus strand). Cytogenetic location: Xq12.
Variant type: Duplication.
Coding change: c.585_586dup on transcript NM_002444.3 (MANE Select); coding-DNA positions 585 to 586, 2 bases duplicated (TC; older notation c.585_586dupTC).
Protein change: p.Gln196fs; shifts the reading frame from glutamine 196.
Molecular consequence: frameshift variant.
Genome position (GRCh38, 1-based): chrX:65,731,871-65,731,872, TC duplicated; duplicating any 2 consecutive bases within chrX:65,731,870-65,731,872 gives the same sequence; the c. name uses the placement nearest the transcript's 3' end. VCF-style (leftmost placement, unchanged base first): chrX-65731869-G-GCT. GRCh37 (hg19) VCF-style: chrX-64951731-G-GCT.
Other names: short protein forms Q196fs.
Identifiers: ClinVar variation 2758658 (VCV002758658.3), dbSNP rs2523006102, ClinGen allele CA2697553131.